The following is an entry in ClinVar:

ClinVar aggregate classification (germline): Uncertain significance (1 of 4 stars; one submission).

Allele frequency attached by ClinVar (database versions not stated): gnomAD 0.00001; gnomAD exomes 0.00001.
gnomAD v4.1: 15 of 1,614,082 alleles (0.00093%); highest among the groups gnomAD compares: Non-Finnish European, 0.0012%; no homozygotes.

Submission:

Labcorp Genetics (formerly Invitae), Labcorp
Classification: Uncertain significance. Last evaluated: 2021-11-10. Review status: criteria provided, single submitter. Criteria: Invitae Variant Classification Sherloc (09022015). Collection method: clinical testing. Allele origin: germline.
Comment: Algorithms developed to predict the effect of missense changes on protein structure and function are either unavailable or do not agree on the potential impact of this missense change (SIFT: "Tolerated"; PolyPhen-2: "Possibly Damaging"; Align-GVGD: "Class C0"). In summary, the available evidence is currently insufficient to determine the role of this variant in disease. Therefore, it has been classified as a Variant of Uncertain Significance. This variant has not been reported in the literature in individuals affected with KANK1-related conditions. This variant is present in population databases (no rsID available, gnomAD 0.003%). This sequence change replaces arginine, which is basic and polar, with serine, which is neutral and polar, at codon 523 of the KANK1 protein (p.Arg523Ser).

NM_015158.5(KANK1):c.1569A>C (p.Arg523Ser)

Gene: KANK1 (KN motif and ankyrin repeat domains 1; plus strand). Cytogenetic location: 9p24.3.
Variant type: single nucleotide variant.
Coding change: c.1569A>C on transcript NM_015158.5 (MANE Select); coding-DNA position 1569, A replaced by C.
Protein change: p.Arg523Ser; replaces arginine 523 with serine.
Molecular consequence: missense variant. On other transcripts: non-coding transcript variant (1).
Genome position (GRCh38, 1-based): chr9:712,335, A>C. VCF-style: chr9-712335-A-C. GRCh37 (hg19) VCF-style: chr9-712335-A-C.
Other names: c.1569A>C, p.Arg523Ser (NM_001256876.3, NM_001256877.3, NM_001354331.2 and 2 more transcripts); c.1095A>C, p.Arg365Ser (NM_001354333.2, NM_001354335.2, NM_001354336.2 and 9 more transcripts); short protein forms R523S, R365S.
Identifiers: ClinVar variation 1450728 (VCV001450728.6), dbSNP rs1331798898, ClinGen allele CA372748497.